The following is an entry in ClinVar:

ClinVar aggregate classification (germline): Uncertain significance (1 of 4 stars; one submission).

gnomAD v4.1: 3 of 1,612,244 alleles (0.00019%); highest among the groups gnomAD compares: Non-Finnish European, 0.00025%; no homozygotes.

Submission:

Ambry Genetics
Classification: Uncertain significance. Last evaluated: 2025-08-06. Review status: criteria provided, single submitter. Criteria: Ambry Variant Classification Scheme 2023. Collection method: clinical testing. Allele origin: germline.
Comment: The p.K762I variant (also known as c.2285A>T), located in coding exon 16 of the CTNNA3 gene, results from an A to T substitution at nucleotide position 2285. The lysine at codon 762 is replaced by isoleucine, an amino acid with dissimilar properties. This amino acid position is conserved. In addition, the in silico prediction for this alteration is inconclusive. Based on the available evidence, the clinical significance of this variant remains unclear.

NM_013266.4(CTNNA3):c.2285A>T (p.Lys762Ile)

Gene: CTNNA3 (catenin alpha 3; minus strand). Cytogenetic location: 10q21.3.
Variant type: single nucleotide variant.
Coding change: c.2285A>T on transcript NM_013266.4 (MANE Select); coding-DNA position 2285, A replaced by T.
Protein change: p.Lys762Ile; replaces lysine 762 with isoleucine.
Molecular consequence: missense variant.
Genome position (GRCh38, 1-based): chr10:65,966,727, T>A on the plus strand (A>T on the coding strand, the complement: CTNNA3 is on the minus strand). VCF-style: chr10-65966727-T-A. GRCh37 (hg19) VCF-style: chr10-67726485-T-A.
Other names: c.2285A>T, p.Lys762Ile (NM_001127384.3); short protein forms K762I.
Identifiers: ClinVar variation 4235678 (VCV004235678.1).